The following is an entry in ClinVar:

NM_006929.5(SKIC2):c.3430C>T (p.Arg1144Trp)

Gene: SKIC2 (SKI2 subunit of superkiller complex; plus strand). Cytogenetic location: 6p21.33.
Variant type: single nucleotide variant.
Coding change: c.3430C>T on transcript NM_006929.5 (MANE Select); coding-DNA position 3430, C replaced by T.
Protein change: p.Arg1144Trp; replaces arginine 1144 with tryptophan.
Molecular consequence: missense variant.
Genome position (GRCh38, 1-based): chr6:31,969,310, C>T. VCF-style: chr6-31969310-C-T. GRCh37 (hg19) VCF-style: chr6-31937087-C-T.
Other names: short protein forms R1144W.
Identifiers: ClinVar variation 356350 (VCV000356350.12), dbSNP rs146401600, ClinGen allele CA3730060.
Genomic context (GRCh38, chr6:31,969,310, plus strand): 5'-CAGGCCTTAACCTCTCCTTCTTTCCTGCAGGGAATAGAACGTGTCCGGGCTGTGGCCAAG[C>T]GGATTGGTGAGGTCCAGGTGGCTTGTGGCCTGAACCAGACGGTGGAGGAATTTGTGGGGG-3'
Protein context (NP_008860.4, residues 1134-1154): GIERVRAVAK[Arg1144Trp]IGEVQVACGL

ClinVar aggregate classification (germline): Uncertain significance. Review status: criteria provided, multiple submitters, no conflicts (2 of 4 stars). 3 submissions from 3 submitters: Uncertain significance (3). Last evaluated 2026-01-27.

Conditions:
Inborn genetic diseases. Identifiers: MedGen C0950123, MeSH D030342.
Trichohepatoenteric syndrome 2 (THES2). Identifiers: Orphanet 84064, MedGen C3281289, MONDO:0013818, OMIM 614602.

Allele frequency attached by ClinVar (database versions not stated): ExAC 0.00004; gnomAD exomes 0.00006; gnomAD 0.00013 and 0.00015; ESP Exome Variant Server 0.00015; TOPMed 0.00015.
gnomAD v4.1: 147 of 1,613,968 alleles (0.0091%); highest among the groups gnomAD compares: African/African-American, 0.032%; no homozygotes.

Submissions (3):

Labcorp Genetics (formerly Invitae), Labcorp
Classification: Uncertain significance. Last evaluated: 2026-01-27. Review status: criteria provided, single submitter. Criteria: Invitae Variant Classification Sherloc (09022015). Collection method: clinical testing. Allele origin: germline.
Comment: This sequence change replaces arginine, which is basic and polar, with tryptophan, which is neutral and slightly polar, at codon 1144 of the SKIV2L protein (p.Arg1144Trp). This variant is present in population databases (rs146401600, gnomAD 0.03%). This variant has not been reported in the literature in individuals affected with SKIV2L-related conditions. ClinVar contains an entry for this variant (Variation ID: 356350). An algorithm developed to predict the effect of missense changes on protein structure and function (PolyPhen-2) suggests that this variant is likely to be disruptive. In summary, the available evidence is currently insufficient to determine the role of this variant in disease. Therefore, it has been classified as a Variant of Uncertain Significance.

Ambry Genetics
Classification: Uncertain significance for Inborn genetic diseases. Last evaluated: 2024-10-01. Review status: criteria provided, single submitter. Criteria: Ambry Variant Classification Scheme 2023. Collection method: clinical testing. Allele origin: germline.

Illumina Laboratory Services, Illumina
Classification: Uncertain significance for Trichohepatoenteric syndrome 2. Last evaluated: 2018-01-13. Review status: criteria provided, single submitter. Criteria: ICSL Variant Classification Criteria 13 December 2019. Collection method: clinical testing. Allele origin: germline.